The following is an entry in ClinVar:

ClinVar aggregate classification (germline): Pathogenic (1 of 4 stars; one submission).

Conditions:
Joubert syndrome 14 (JBTS14). Identifiers: MedGen C3280766, MONDO:0013745, OMIM 614424.

Submission:

Labcorp Genetics (formerly Invitae), Labcorp
Classification: Pathogenic for Joubert syndrome 14. Last evaluated: 2022-04-01. Review status: criteria provided, single submitter. Criteria: Invitae Variant Classification Sherloc (09022015). Collection method: clinical testing. Allele origin: germline.
Comment: This sequence change creates a premature translational stop signal (p.Asn43Lysfs*21) in the TMEM237 gene. It is expected to result in an absent or disrupted protein product. Loss-of-function variants in TMEM237 are known to be pathogenic (PMID: 22152675). This variant is not present in population databases (gnomAD no frequency). This variant has not been reported in the literature in individuals affected with TMEM237-related conditions. For these reasons, this variant has been classified as Pathogenic.

Literature cited by the submitters: PubMed 22152675.

NM_001044385.3(TMEM237):c.128dup (p.Asn43fs)

Gene: TMEM237 (transmembrane protein 237; minus strand). Cytogenetic location: 2q33.1.
Variant type: Duplication.
Coding change: c.128dup on transcript NM_001044385.3 (MANE Select); coding-DNA position 128, one base duplicated (A; older notation c.128dupA).
Protein change: p.Asn43fs; shifts the reading frame from asparagine 43.
Molecular consequence: frameshift variant.
Genome position (GRCh38, 1-based): chr2:201,638,997, T duplicated on the plus strand (A on the coding strand, the reverse complement: TMEM237 is on the minus strand); the first of 6 consecutive T bases (chr2:201,638,997-201,639,002); duplicating any one gives the same sequence. VCF-style (leftmost placement, unchanged base first): chr2-201638996-G-GT. GRCh37 (hg19) VCF-style: chr2-202503719-G-GT.
Other names: c.104dup, p.Asn35fs (NM_152388.4); short protein forms N35fs, N43fs.
Identifiers: ClinVar variation 2120213 (VCV002120213.4), dbSNP rs2469508905, ClinGen allele CA645526022.